The following is an entry in ClinVar:

NM_000132.4(F8):c.6052G>A (p.Glu2018Lys)

Gene: F8 (coagulation factor VIII; minus strand). Cytogenetic location: Xq28.
Variant type: single nucleotide variant.
Coding change: c.6052G>A on transcript NM_000132.4 (MANE Select); coding-DNA position 6052, G replaced by A.
Protein change: p.Glu2018Lys; replaces glutamic acid 2018 with lysine.
Molecular consequence: missense variant.
Genome position (GRCh38, 1-based): chrX:154,902,114, C>T on the plus strand (G>A on the coding strand, the complement: F8 is on the minus strand). VCF-style: chrX-154902114-C-T. GRCh37 (hg19) VCF-style: chrX-154130389-C-T.
Other names: short protein forms E2018K.
Identifiers: ClinVar variation 1803275 (VCV001803275.1), dbSNP rs1416238727, ClinGen allele CA414904925.

ClinVar aggregate classification (germline): Likely pathogenic (1 of 4 stars; one submission).

Conditions:
Hereditary factor VIII deficiency disease (HEMA). Also called: HEMOPHILIA, CLASSIC; AUTOSOMAL HEMOPHILIA A; Hemophilia A; Hemophilia A, congenital; HEM A; Factor 8 deficiency, congenital. Identifiers: Orphanet 98878, MedGen C0019069, MONDO:0010602, OMIM 306700.

Submission:

Genetics and Molecular Pathology, SA Pathology
Classification: Likely pathogenic for Hereditary factor VIII deficiency disease. Last evaluated: 2021-10-05. Review status: criteria provided, single submitter. Criteria: ACMG Guidelines, 2015. Collection method: clinical testing. Allele origin: germline. Inheritance: X-linked recessive inheritance. Affected: yes.
Comment: The F8 c.6052G>A variant is classified as Likely Pathogenic (PM5_Supporting, PM1, PM2, PP3) The F8 c.6052G>A variant is a single nucleotide change in exon 19/26 of the F8 gene, which is predicted to change the amino acid glutamic acid at position 2018 in the protein to lysine. This variant is absent from population databases (PM2). This variant is located in the conserved Missing PM1 Note (PM1). This variant is a novel missense change at an amino acid residue where a different missense change has been seen before (c.6053A>G, p.Glu2018Gly (Legacy AA No.1999) reported 7 times in FVIII variant database.) ( c.6053A>G, p.Glu2018Gly (Legacy AA No.1999) reported 7 times in FVIII variant database. ) (PM5_supporting). Computational predictions support a deleterious effect on the gene or gene product (PP3).